The following is an entry in ClinVar:

ClinVar aggregate classification (germline): Uncertain significance (1 of 4 stars; one submission).

Conditions:
Candidiasis, familial, 6 (CANDF6). Also called: Candidiasis, familial, 6, autosomal dominant. Identifiers: Orphanet 1334, MedGen C3151405, MONDO:0013503, OMIM 613956.

Allele frequency attached by ClinVar (database versions not stated): ExAC 0.00001.

Submission:

Labcorp Genetics (formerly Invitae), Labcorp
Classification: Uncertain significance for Candidiasis, familial, 6. Last evaluated: 2025-03-20. Review status: criteria provided, single submitter. Criteria: Invitae Variant Classification Sherloc (09022015). Collection method: clinical testing. Allele origin: germline.
Comment: This sequence change replaces proline, which is neutral and non-polar, with serine, which is neutral and polar, at codon 48 of the IL17F protein (p.Pro48Ser). This variant is present in population databases (rs772268344, gnomAD 0.006%). This variant has not been reported in the literature in individuals affected with IL17F-related conditions. ClinVar contains an entry for this variant (Variation ID: 2722452). An algorithm developed to predict the effect of missense changes on protein structure and function (PolyPhen-2) suggests that this variant is likely to be disruptive. In summary, the available evidence is currently insufficient to determine the role of this variant in disease. Therefore, it has been classified as a Variant of Uncertain Significance.

NM_052872.4(IL17F):c.142C>T (p.Pro48Ser)

Gene: IL17F (interleukin 17F; minus strand). Cytogenetic location: 6p12.2.
Variant type: single nucleotide variant.
Coding change: c.142C>T on transcript NM_052872.4 (MANE Select); coding-DNA position 142, C replaced by T.
Protein change: p.Pro48Ser; replaces proline 48 with serine.
Molecular consequence: missense variant.
Genome position (GRCh38, 1-based): chr6:52,238,842, G>A on the plus strand (C>T on the coding strand, the complement: IL17F is on the minus strand). VCF-style: chr6-52238842-G-A. GRCh37 (hg19) VCF-style: chr6-52103640-G-A.
Other names: short protein forms P48S.
Identifiers: ClinVar variation 2722452 (VCV002722452.3), dbSNP rs772268344, ClinGen allele CA3854437.
Genomic context (GRCh38, chr6:52,238,842, plus strand): 5'-CGCGCTGGTTTTCATTGATGATGCCAATGTCAAGCTTCATACTACCTCCTGGCACAGGCG[G>A]GCAACTCTCAGGCTTTTGGAAAAAAGTATGTCCTACTTTGGGGATTTTCCGAGCTGCCGC-3'
Protein context (NP_443104.1, residues 38-58): HTFFQKPESC[Pro48Ser]PVPGGSMKLD